The following is an entry in ClinVar:

NM_000245.4(MET):c.1862+5G>A

Gene: MET (MET proto-oncogene, receptor tyrosine kinase; plus strand). Cytogenetic location: 7q31.2.
Variant type: single nucleotide variant.
Coding change: c.1862+5G>A on transcript NM_000245.4 (MANE Select); 5 bases into the intron after coding-DNA position 1862, G replaced by A.
Molecular consequence: intron variant.
Genome position (GRCh38, 1-based): chr7:116,755,520, G>A. VCF-style: chr7-116755520-G-A. GRCh37 (hg19) VCF-style: chr7-116395574-G-A.
Other names: c.1862+5G>A (NM_001127500.1, NM_001127500.3, NM_001324401.3); c.572+5G>A (NM_001324402.2).
Identifiers: ClinVar variation 4726443 (VCV004726443.2).
Genomic context (GRCh38, chr7:116,755,520, plus strand): 5'-GTTCTCCTTGGAAATGAGAGCTGCACCTTGACTTTAAGTGAGAGCACGATGAATACGTAA[G>A]GATCTTAAAATGCTTTGCTGGGGTGTGCTTGGAAAATAGGTTTTGTTTTTGAATGAATAT-3'

ClinVar aggregate classification (germline): Uncertain significance. Review status: criteria provided, multiple submitters, no conflicts (2 of 4 stars). 2 submissions from 2 submitters: Uncertain significance (2). Last evaluated 2026-05-12.

Conditions:
Hereditary cancer-predisposing syndrome. Also called: Neoplastic Syndromes, Hereditary; Tumor predisposition; Hereditary Cancer Syndrome; Hereditary neoplastic syndrome. Identifiers: Orphanet 140162, MedGen C0027672, MeSH D009386, MONDO:0015356.
Renal cell carcinoma. Identifiers: Orphanet 217071, MedGen C0007134, MeSH D002292, MONDO:0005086, HP:0005584.

Submissions (2):

Ambry Genetics
Classification: Uncertain significance for Hereditary cancer-predisposing syndrome. Last evaluated: 2026-05-12. Review status: criteria provided, single submitter. Criteria: Ambry Variant Classification Scheme 2023. Collection method: clinical testing. Allele origin: germline.
Comment: The c.1862+5G>A intronic variant results from a G to A substitution 5 nucleotides after coding exon 5 in the MET gene. This nucleotide position is highly conserved in available vertebrate species. In silico splice site analysis predicts that this alteration will weaken the native splice donor site and may result in the creation or strengthening of a novel splice donor site. Based on the available evidence, the clinical significance of this variant remains unclear.

Labcorp Genetics (formerly Invitae), Labcorp
Classification: Uncertain significance for Renal cell carcinoma. Last evaluated: 2025-09-01. Review status: criteria provided, single submitter. Criteria: Invitae Variant Classification Sherloc (09022015). Collection method: clinical testing. Allele origin: germline.
Comment: This sequence change falls in intron 6 of the MET gene. It does not directly change the encoded amino acid sequence of the MET protein. It affects a nucleotide within the consensus splice site. This variant is not present in population databases (gnomAD no frequency). This variant has not been reported in the literature in individuals affected with MET-related conditions. Variants that disrupt the consensus splice site are a relatively common cause of aberrant splicing (PMID: 17576681, 9536098). Algorithms developed to predict the effect of sequence changes on RNA splicing suggest that this variant may disrupt the consensus splice site. In summary, the available evidence is currently insufficient to determine the role of this variant in disease. Therefore, it has been classified as a Variant of Uncertain Significance.

Literature cited by the submitters: PubMed 17576681 (cited by Labcorp Genetics (formerly Invitae), Labcorp); PubMed 9536098 (cited by Labcorp Genetics (formerly Invitae), Labcorp).